The following is an entry in ClinVar:

NM_004385.5(VCAN):c.694T>G (p.Phe232Val)

Gene: VCAN (versican; plus strand). Cytogenetic location: 5q14.2.
Variant type: single nucleotide variant.
Coding change: c.694T>G on transcript NM_004385.5 (MANE Select); coding-DNA position 694, T replaced by G.
Protein change: p.Phe232Val; replaces phenylalanine 232 with valine.
Molecular consequence: missense variant.
Genome position (GRCh38, 1-based): chr5:83,493,877, T>G. VCF-style: chr5-83493877-T-G. GRCh37 (hg19) VCF-style: chr5-82789696-T-G.
Other names: c.694T>G, p.Phe232Val (NM_001126336.3, NM_001164097.2, NM_001164098.2); short protein forms F232V.
Identifiers: ClinVar variation 3001180 (VCV003001180.3), dbSNP rs2478973576, ClinGen allele CA360296893.

ClinVar aggregate classification (germline): Uncertain significance (1 of 4 stars; one submission).

Allele frequency attached by ClinVar (database versions not stated): gnomAD exomes 0.00001.
gnomAD v4.1: 4 of 1,614,134 alleles (0.00025%); highest among the groups gnomAD compares: Non-Finnish European, 0.00034%; no homozygotes.

Submission:

Labcorp Genetics (formerly Invitae), Labcorp
Classification: Uncertain significance. Last evaluated: 2023-02-08. Review status: criteria provided, single submitter. Criteria: Invitae Variant Classification Sherloc (09022015). Collection method: clinical testing. Allele origin: germline.
Comment: This sequence change replaces phenylalanine, which is neutral and non-polar, with valine, which is neutral and non-polar, at codon 232 of the VCAN protein (p.Phe232Val). This variant is not present in population databases (gnomAD no frequency). This variant has not been reported in the literature in individuals affected with VCAN-related conditions. Algorithms developed to predict the effect of missense changes on protein structure and function are either unavailable or do not agree on the potential impact of this missense change (SIFT: "Deleterious"; PolyPhen-2: "Benign"; Align-GVGD: "Class C45"). In summary, the available evidence is currently insufficient to determine the role of this variant in disease. Therefore, it has been classified as a Variant of Uncertain Significance.